The following is an entry in ClinVar:

ClinVar aggregate classification (germline): Conflicting classifications of pathogenicity. Review status: criteria provided, conflicting classifications (1 of 4 stars). 3 submissions from 3 submitters: Uncertain significance (1); Likely benign (2). Last evaluated 2026-07-15.

Conditions:
SIPA1L3-related disorder. Also called: SIPA1L3-related condition.

Allele frequency attached by ClinVar (database versions not stated): gnomAD 0.00021 and 0.00022; gnomAD exomes 0.00037; ExAC 0.00038; ESP Exome Variant Server 0.00038.
gnomAD v4.1: 442 of 1,594,832 alleles (0.028%); highest among the groups gnomAD compares: Non-Finnish European, 0.021%; no homozygotes.

Submissions (3):

PreventionGenetics, part of Exact Sciences
Classification: Likely benign for SIPA1L3-related condition. Last evaluated: 2026-07-15. Review status: criteria provided, single submitter. Criteria: ACMG Guidelines, 2015. Collection method: clinical testing. Allele origin: germline.
Comment: This variant is classified as likely benign based on ACMG/AMP sequence variant interpretation guidelines (Richards et al. 2015 PMID: 25741868, with internal and published modifications).

Labcorp Genetics (formerly Invitae), Labcorp
Classification: Likely benign. Last evaluated: 2025-04-17. Review status: criteria provided, single submitter. Criteria: Invitae Variant Classification Sherloc (09022015). Collection method: clinical testing. Allele origin: germline.

Ambry Genetics
Classification: Uncertain significance. Last evaluated: 2023-02-23. Review status: criteria provided, single submitter. Criteria: Ambry Variant Classification Scheme 2023. Collection method: clinical testing. Allele origin: germline.

NM_015073.3(SIPA1L3):c.2000C>T (p.Thr667Ile)

Gene: SIPA1L3 (signal induced proliferation associated 1 like 3; plus strand). Cytogenetic location: 19q13.13.
Variant type: single nucleotide variant.
Coding change: c.2000C>T on transcript NM_015073.3 (MANE Select); coding-DNA position 2000, C replaced by T.
Protein change: p.Thr667Ile; replaces threonine 667 with isoleucine.
Molecular consequence: missense variant.
Genome position (GRCh38, 1-based): chr19:38,101,197, C>T. VCF-style: chr19-38101197-C-T. GRCh37 (hg19) VCF-style: chr19-38591837-C-T.
Other names: c.2000C>T (NM_015073.2, NM_015073.1); short protein forms T667I.
Identifiers: ClinVar variation 1662367 (VCV001662367.11), dbSNP rs147598199, ClinGen allele CA9409522.